The following is an entry in ClinVar:

ClinVar aggregate classification (germline): Uncertain significance (1 of 4 stars; one submission).

Conditions:
Hereditary sensory neuropathy-deafness-dementia syndrome. Also called: Hereditary sensory neuropathy type IE; Hereditary Sensory and Autonomic Neuropathy Type 1E (HSAN1E); HSN IE; NEUROPATHY, HEREDITARY SENSORY, WITH HEARING LOSS AND DEMENTIA. Identifiers: Orphanet 456318, MedGen C3279885, MONDO:0013584, OMIM 614116.

Submission:

Labcorp Genetics (formerly Invitae), Labcorp
Classification: Uncertain significance for Hereditary sensory neuropathy-deafness-dementia syndrome. Last evaluated: 2024-01-02. Review status: criteria provided, single submitter. Criteria: Invitae Variant Classification Sherloc (09022015). Collection method: clinical testing. Allele origin: unknown.
Comment: This variant is a gross deletion of the genomic region encompassing exon(s) 1-27 of the DNMT1 gene, which includes the initiator codon. This deletion extends beyond the assayed region for this gene and therefore may encompass additional genes. It is expected to result in an absent or disrupted protein product. However, the current clinical and genetic evidence is not sufficient to establish whether loss-of-function variants in DNMT1 cause disease. This variant has not been reported in the literature in individuals affected with DNMT1-related conditions. Experimental studies and prediction algorithms are not available or were not evaluated, and the functional significance of this variant is currently unknown. In summary, the available evidence is currently insufficient to determine the role of this variant in disease. Therefore, it has been classified as a Variant of Uncertain Significance.

NC_000019.9:g.(?_10259540)_(10305575_?)del

Gene: DNMT1 (DNA methyltransferase 1; minus strand). Cytogenetic location: 19p13.2.
Variant type: Deletion.
Identifiers: ClinVar variation 3248489 (VCV003248489.1).